The following is an entry in ClinVar:

NM_001081.4(CUBN):c.1816T>C (p.Tyr606His)

Gene: CUBN (cubilin; minus strand). Cytogenetic location: 10p13.
Variant type: single nucleotide variant.
Coding change: c.1816T>C on transcript NM_001081.4 (MANE Select); coding-DNA position 1816, T replaced by C.
Protein change: p.Tyr606His; replaces tyrosine 606 with histidine.
Molecular consequence: missense variant.
Genome position (GRCh38, 1-based): chr10:17,088,295, A>G on the plus strand (T>C on the coding strand, the complement: CUBN is on the minus strand). VCF-style: chr10-17088295-A-G. GRCh37 (hg19) VCF-style: chr10-17130294-A-G.
Other names: short protein forms Y606H.
Identifiers: ClinVar variation 2596366 (VCV002596366.3), dbSNP rs771688597, ClinGen allele CA5425179.
Genomic context (GRCh38, chr10:17,088,295, plus strand): 5'-GGTCAGGACTAGTTACAACAATCCAGACACAATCTCTTCCTGGGGGATAGTTTCCAGGAT[A>G]CCCCGGAGACTTAATAGAACCGTAAGGACCAGTCAGGATACCTCCACACTCTAAAATAAG-3'
Protein context (NP_001072.2, residues 596-616): GPYGSIKSPG[Tyr606His]PGNYPPGRDC

ClinVar aggregate classification (germline): Uncertain significance. Review status: criteria provided, single submitter (1 of 4 stars). 2 submissions from 2 submitters: Uncertain significance (1). 1 of the submissions does not count toward it. Last evaluated 2023-08-15.

Conditions:
CUBN-related disorder. Also called: CUBN-related condition.
Inborn genetic diseases. Identifiers: MedGen C0950123, MeSH D030342.

Allele frequency attached by ClinVar (database versions not stated): gnomAD exomes 0.00001; ExAC 0.00002; gnomAD 0.00004; TOPMed 0.00009.
gnomAD v4.1: 30 of 1,613,326 alleles (0.0019%); highest among the groups gnomAD compares: Middle Eastern, 0.23%; no homozygotes.

Submissions (2):

Ambry Genetics
Classification: Uncertain significance for Inborn genetic diseases. Last evaluated: 2023-08-15. Review status: criteria provided, single submitter. Criteria: Ambry Variant Classification Scheme 2023. Collection method: clinical testing. Allele origin: germline.

PreventionGenetics, part of Exact Sciences
Classification: Uncertain significance for CUBN-related condition. Last evaluated: 2024-09-20. Review status: no assertion criteria provided. Collection method: clinical testing. Allele origin: germline. Not counted in ClinVar's aggregate classification.
Comment: The CUBN c.1816T>C variant is predicted to result in the amino acid substitution p.Tyr606His. To our knowledge, this variant has not been reported in the literature. This variant is reported in 0.016% of alleles in individuals of African descent in gnomAD. At this time, the clinical significance of this variant is uncertain due to the absence of conclusive functional and genetic evidence.